The following is an entry in ClinVar:

NC_000006.11:g.(?_151751253)_(151757709_?)del

Gene: RMND1 (required for meiotic nuclear division 1 homolog; minus strand). Cytogenetic location: 6q25.1.
Variant type: Deletion.
Identifiers: ClinVar variation 2426411 (VCV002426411.3).

ClinVar aggregate classification (germline): Pathogenic (1 of 4 stars; one submission).

Submission:

Labcorp Genetics (formerly Invitae), Labcorp
Classification: Pathogenic. Last evaluated: 2022-06-10. Review status: criteria provided, single submitter. Criteria: Invitae Variant Classification Sherloc (09022015). Collection method: clinical testing. Allele origin: germline.
Comment: This variant has not been reported in the literature in individuals affected with RMND1-related conditions. This variant is a gross deletion of the genomic region encompassing exon(s) 3-5 of the RMND1 gene. This variant would be expected to be in-frame, preserving the integrity of the reading frame. This variant disrupts a region of the RMND1 protein in which other variant(s) (p.Asn238Ser) have been determined to be pathogenic (PMID: 25604853, 26395190, 31506229, 31568715). This suggests that this is a clinically significant region of the protein, and that variants that disrupt it are likely to be disease-causing. For these reasons, this variant has been classified as Pathogenic.

Literature cited by the submitters: PubMed 25604853; PubMed 26395190; PubMed 31506229; PubMed 31568715.